The following is an entry in ClinVar:

ClinVar aggregate classification (germline): Benign/Likely benign. Review status: criteria provided, multiple submitters, no conflicts (2 of 4 stars). 3 submissions from 3 submitters: Benign (1); Likely benign (2). Last evaluated 2026-04-01.

Allele frequency attached by ClinVar (database versions not stated): 1000 Genomes Project 30x 0.00031; 1000 Genomes Project 0.00060; gnomAD 0.00092; TOPMed 0.00132; ESP Exome Variant Server 0.00139; ExAC 0.00184.
gnomAD v4.1: 2,771 of 1,591,842 alleles (0.17%); highest among the groups gnomAD compares: Non-Finnish European, 0.22%; 2 homozygotes.

Submissions (3):

CeGaT Center for Human Genetics Tuebingen
Classification: Likely benign. Last evaluated: 2026-04-01. Review status: criteria provided, single submitter. Criteria: CeGaT Center For Human Genetics Tuebingen Variant Classification Criteria Version 2. Collection method: clinical testing. Allele origin: germline. Affected: yes. Observed: 5 variant alleles.
Comment: EBF3: BP4, BP7, BS1

Blueprint Genetics
Classification: Likely benign. Last evaluated: 2024-10-14. Review status: criteria provided, single submitter. Criteria: ACMG Guidelines, 2015. Collection method: clinical testing. Allele origin: germline.

Labcorp Genetics (formerly Invitae), Labcorp
Classification: Benign. Last evaluated: 2019-12-31. Review status: criteria provided, single submitter. Criteria: Invitae Variant Classification Sherloc (09022015). Collection method: clinical testing. Allele origin: germline.

NM_001375380.1(EBF3):c.1695C>T (p.Pro565=)

Gene: EBF3 (EBF transcription factor 3; minus strand). Cytogenetic location: 10q26.3.
Variant type: single nucleotide variant.
Coding change: c.1695C>T on transcript NM_001375380.1 (MANE Select); coding-DNA position 1695, C replaced by T.
Protein change: p.Pro565=; no amino-acid change (proline 565 retained).
Molecular consequence: synonymous variant.
Genome position (GRCh38, 1-based): chr10:129,840,309, G>A on the plus strand (C>T on the coding strand, the complement: EBF3 is on the minus strand). VCF-style: chr10-129840309-G-A. GRCh37 (hg19) VCF-style: chr10-131638573-G-A.
Other names: c.1560C>T, p.Pro520= (NM_001005463.3, NM_001375390.1); c.1695C>T, p.Pro565= (NM_001375379.1); c.1587C>T, p.Pro529= (NM_001375389.1, NM_001375391.1); c.1479C>T, p.Pro493= (NM_001375392.1).
Identifiers: ClinVar variation 789310 (VCV000789310.29), dbSNP rs148512369, ClinGen allele CA5748264.